The following is an entry in ClinVar:

NM_018192.4(P3H2):c.1918C>T (p.Arg640Cys)

Gene: P3H2 (prolyl 3-hydroxylase 2; minus strand). Cytogenetic location: 3q28.
Variant type: single nucleotide variant.
Coding change: c.1918C>T on transcript NM_018192.4 (MANE Select); coding-DNA position 1918, C replaced by T.
Protein change: p.Arg640Cys; replaces arginine 640 with cysteine.
Molecular consequence: missense variant.
Genome position (GRCh38, 1-based): chr3:189,964,074, G>A on the plus strand (C>T on the coding strand, the complement: P3H2 is on the minus strand). VCF-style: chr3-189964074-G-A. GRCh37 (hg19) VCF-style: chr3-189681863-G-A.
Other names: c.1375C>T, p.Arg459Cys (NM_001134418.2); short protein forms R459C, R640C.
Identifiers: ClinVar variation 1979209 (VCV001979209.3), dbSNP rs758007118, ClinGen allele CA2752719.

ClinVar aggregate classification (germline): Uncertain significance (1 of 4 stars; one submission).

Allele frequency attached by ClinVar (database versions not stated): gnomAD exomes 0.00002; gnomAD 0.00003; ExAC 0.00004; TOPMed 0.00004.
gnomAD v4.1: 37 of 1,613,952 alleles (0.0023%); highest among the groups gnomAD compares: Non-Finnish European, 0.0027%; no homozygotes.

Submission:

Labcorp Genetics (formerly Invitae), Labcorp
Classification: Uncertain significance. Last evaluated: 2023-07-17. Review status: criteria provided, single submitter. Criteria: Invitae Variant Classification Sherloc (09022015). Collection method: clinical testing. Allele origin: germline.
Comment: In summary, the available evidence is currently insufficient to determine the role of this variant in disease. Therefore, it has been classified as a Variant of Uncertain Significance. Advanced modeling of protein sequence and biophysical properties (such as structural, functional, and spatial information, amino acid conservation, physicochemical variation, residue mobility, and thermodynamic stability) performed at Invitae indicates that this missense variant is expected to disrupt P3H2 protein function. ClinVar contains an entry for this variant (Variation ID: 1979209). This variant has not been reported in the literature in individuals affected with P3H2-related conditions. This variant is present in population databases (rs758007118, gnomAD 0.006%). This sequence change replaces arginine, which is basic and polar, with cysteine, which is neutral and slightly polar, at codon 640 of the P3H2 protein (p.Arg640Cys).